The following is an entry in ClinVar:

NM_020693.4(DSCAML1):c.5480C>T (p.Ala1827Val)

Gene: DSCAML1 (DS cell adhesion molecule like 1; minus strand). Cytogenetic location: 11q23.3.
Variant type: single nucleotide variant.
Coding change: c.5480C>T on transcript NM_020693.4 (MANE Select); coding-DNA position 5480, C replaced by T.
Protein change: p.Ala1827Val; replaces alanine 1827 with valine.
Molecular consequence: missense variant.
Genome position (GRCh38, 1-based): chr11:117,430,928, G>A on the plus strand (C>T on the coding strand, the complement: DSCAML1 is on the minus strand). VCF-style: chr11-117430928-G-A. GRCh37 (hg19) VCF-style: chr11-117301644-G-A.
Other names: short protein forms A1827V.
Identifiers: ClinVar variation 3621471 (VCV003621471.2).

ClinVar aggregate classification (germline): Uncertain significance (1 of 4 stars; one submission).

gnomAD v4.1: 7 of 1,614,058 alleles (0.00043%); highest among the groups gnomAD compares: African/African-American, 0.0067%; no homozygotes.

Submission:

Labcorp Genetics (formerly Invitae), Labcorp
Classification: Uncertain significance. Last evaluated: 2025-01-29. Review status: criteria provided, single submitter. Criteria: Invitae Variant Classification Sherloc (09022015). Collection method: clinical testing. Allele origin: germline.
Comment: This sequence change replaces alanine, which is neutral and non-polar, with valine, which is neutral and non-polar, at codon 1887 of the DSCAML1 protein (p.Ala1887Val). This variant is present in population databases (no rsID available, gnomAD 0.004%). This variant has not been reported in the literature in individuals affected with DSCAML1-related conditions. An algorithm developed to predict the effect of missense changes on protein structure and function (PolyPhen-2) suggests that this variant is likely to be disruptive. In summary, the available evidence is currently insufficient to determine the role of this variant in disease. Therefore, it has been classified as a Variant of Uncertain Significance.